The following is an entry in ClinVar:

ClinVar aggregate classification (germline): Uncertain significance (1 of 4 stars; one submission).

Conditions:
Inborn genetic diseases. Identifiers: MedGen C0950123, MeSH D030342.

Submission:

Ambry Genetics
Classification: Uncertain significance for Inborn genetic diseases. Last evaluated: 2019-06-13. Review status: criteria provided, single submitter. Criteria: Ambry Variant Classification Scheme 2023. Collection method: clinical testing. Allele origin: germline.
Comment: The c.4287-5C>G intronic variant results from a C to G substitution 5 nucleotides upstream from coding exon 8 in the NHS gene. This nucleotide position is poorly conserved in available vertebrate species. Using two different splice site prediction tools, this alteration is predicted by ESEfinder to abolish the native splice acceptor site, but is predicted to weaken (but not abolish) the efficiency of the native splice acceptor site by BDGP; however, direct evidence is unavailable. Since supporting evidence is limited at this time, the clinical significance of this alteration remains unclear.

NM_001291867.2(NHS):c.4350-5C>G

Gene: NHS (NHS actin remodeling regulator; plus strand). Cytogenetic location: Xp22.13.
Variant type: single nucleotide variant.
Coding change: c.4350-5C>G on transcript NM_001291867.2 (MANE Select); 5 bases into the intron before coding-DNA position 4350, C replaced by G.
Molecular consequence: intron variant.
Genome position (GRCh38, 1-based): chrX:17,731,853, C>G. VCF-style: chrX-17731853-C-G. GRCh37 (hg19) VCF-style: chrX-17749973-C-G.
Other names: c.4287-5C>G (NM_198270.4); c.3819-5C>G (NM_001136024.4); c.3756-5C>G (NM_001291868.2).
Identifiers: ClinVar variation 1739386 (VCV001739386.2), dbSNP rs2519948752, ClinGen allele CA2580100411.